The following continues an entry in ClinVar:

NM_018972.4(GDAP1):c.715C>T (p.Leu239Phe)

Gene: GDAP1. ClinVar aggregate classification (germline): Pathogenic/Likely pathogenic. Pathogenic (14); Likely pathogenic (1).

Submissions 10 to 22 of 22:

GeneDx
Classification: Pathogenic. Last evaluated: 2022-03-10. Review status: criteria provided, single submitter. Criteria: GeneDx Variant Classification Process June 2021. Collection method: clinical testing. Allele origin: germline. Affected: yes.
Comment: Published functional studies demonstrate that the variant results in protein mislocalization (Rzepnikowska et al., (2020); In silico analysis supports that this missense variant has a deleterious effect on protein structure/function; This variant is associated with the following publications: (PMID: 18991200, 14561495, 17433678, 18504680, 20232219, 19500985, 17039978, 27549087, 29372391, 29858556, 32183277, 33477664, 31589614, 20685671, 20849849, 23628762, 32376792)

Fulgent Genetics
Classification: Pathogenic for Charcot-Marie-Tooth disease type 4A; Charcot-Marie-Tooth disease, axonal, with vocal cord paresis, autosomal recessive; Charcot-Marie-Tooth disease axonal type 2K; Charcot-Marie-Tooth disease recessive intermediate A. Last evaluated: 2022-01-03. Review status: criteria provided, single submitter. Criteria: ACMG Guidelines, 2015. Collection method: clinical testing. Allele origin: unknown.

MGZ Medical Genetics Center
Classification: Likely pathogenic for Charcot-Marie-Tooth disease type 4A. Last evaluated: 2021-09-08. Review status: criteria provided, single submitter. Criteria: ACMG Guidelines, 2015. Collection method: clinical testing. Allele origin: germline. Affected: yes. Observed: 1 variant allele.
Comment: ACMG criteria applied: PS4, PM3, PM2_SUP, PP3

Illumina Laboratory Services, Illumina
Classification: Pathogenic for GDAP1-Related Disorders. Last evaluated: 2018-09-20. Review status: criteria provided, single submitter. Criteria: ICSL Variant Classification Criteria 09 May 2019. Collection method: clinical testing. Allele origin: germline.
Comment: The GDAP1 c.715C>T (p.Leu239Phe) missense variant has been reported in at least six studies and is found in a total of 21 probands with autosomal recessive Charcot-Marie-Tooth disease (CMT), including five in a homozygous state, 15 in a compound heterozygous state, and one in a heterozygous state without a second variant identified (Ammar et al. 2003, Kabzinska et al. 2003, Barankova et al. 2007, Auer-Grumbach et al. 2008, Moroni et al. 2009, Kabzinska et al. 2010). Ammar et al. (2003) identified the c.715C>T (p.Leu239Phe) variant in a compound heterozygous state with a frameshift variant in two siblings with CMT. Their unaffected mother carried the p.Leu239Phe variant and their unaffected father carried the frameshift variant. The p.Leu239Phe variant was absent from 158 controls and is reported at a frequency of 0.000071 in the European (non-Finnish) population of the Genome Aggregation Database. Haplotype analysis suggests that the p.Leu239Phe variant is likely a founder mutation in the central and eastern European population (Kabzinska et al. 2010). Based on the collective evidence, the p.Leu239Phe variant classified as pathogenic for GDAP1-related disorders. This variant was observed by ICSL as part of a predisposition screen in an ostensibly healthy population.

Centre for Mendelian Genomics, University Medical Centre Ljubljana
Classification: Pathogenic for Charcot-Marie-Tooth disease type 4A. Last evaluated: 2016-01-01. Review status: criteria provided, single submitter. Criteria: ACMG Guidelines, 2015. Collection method: clinical testing. Allele origin: unknown. Affected: yes.
Comment: This variant was classified as: Pathogenic. This variant was detected in homozygous state.

Centre for Mendelian Genomics, University Medical Centre Ljubljana
Classification: Pathogenic for Elevated circulating alkaline phosphatase concentration; Elevated circulating creatine kinase activity; Peripheral axonal neuropathy; Polyneuropathy; Sensory neuropathy. Last evaluated: 2015-11-02. Review status: criteria provided, single submitter. Criteria: ACMG Guidelines, 2015. Collection method: clinical testing. Allele origin: unknown. Affected: yes.

Clinical Genetics Laboratory, University Hospital Schleswig-Holstein
Classification: Uncertain significance for Charcot-Marie-Tooth disease axonal type 2K. Last evaluated: 2022-03-01. Review status: no assertion criteria provided. Collection method: clinical testing. Allele origin: germline. Affected: yes. Not counted in ClinVar's aggregate classification.

Inherited Neuropathy Consortium Ii, University Of Miami
Classification: Uncertain significance for Charcot-Marie-Tooth disease axonal type 2K. Last evaluated: 2019-10-03. Review status: no assertion criteria provided. Collection method: literature only. Allele origin: germline. Affected: yes. Not counted in ClinVar's aggregate classification.

Institute of Human Genetics, Cologne University
Classification: Pathogenic for Charcot-Marie-Tooth disease recessive intermediate A. Last evaluated: 2018-04-25. Review status: no assertion criteria provided. Collection method: clinical testing. Allele origin: germline. Affected: yes. Not counted in ClinVar's aggregate classification.

OMIM
Classification: Pathogenic for CHARCOT-MARIE-TOOTH DISEASE, RECESSIVE INTERMEDIATE A. Last evaluated: 2010-07-01. Review status: no assertion criteria provided. Collection method: literature only. Allele origin: germline. Not counted in ClinVar's aggregate classification.

OMIM
Classification: Pathogenic for CHARCOT-MARIE-TOOTH DISEASE, AXONAL, AUTOSOMAL RECESSIVE, TYPE 2K. Last evaluated: 2010-07-01. Review status: no assertion criteria provided. Collection method: literature only. Allele origin: germline. Not counted in ClinVar's aggregate classification.

GeneReviews
No classification provided. Condition: Charcot-Marie-Tooth disease. Review status: no classification provided. Collection method: literature only. Allele origin: germline. Not counted in ClinVar's aggregate classification.

Inherited Neuropathy Consortium
Classification: Uncertain significance for Charcot-Marie-Tooth disease. Review status: no assertion criteria provided. Collection method: literature only. Allele origin: germline. Affected: yes. Not counted in ClinVar's aggregate classification.

Literature cited by the submitters: PubMed 14561495 (cited by 8 submitters); PubMed 17433678 (cited by 6 submitters); PubMed 18504680 (cited by 6 submitters); PubMed 18991200 (cited by 4 submitters); PubMed 19500985 (cited by 6 submitters); PubMed 20232219 (cited by 8 submitters); PubMed 25231362 (cited by Labcorp Genetics (formerly Invitae), Labcorp and Athena Diagnostics); PubMed 17039978 (cited by 5 submitters); PubMed 25337607 (cited by 3 submitters); PubMed 27549087 (cited by Mayo Clinic Laboratories, Mayo Clinic and Athena Diagnostics); PubMed 32183277 (cited by 3 submitters); PubMed 32376792 (cited by Mayo Clinic Laboratories, Mayo Clinic and Athena Diagnostics); PubMed 33477664 (cited by 3 submitters); PubMed 35662277 (cited by Mayo Clinic Laboratories, Mayo Clinic and Athena Diagnostics); PubMed 36140714 (cited by Mayo Clinic Laboratories, Mayo Clinic and Athena Diagnostics); PubMed 37747677 (cited by Mayo Clinic Laboratories, Mayo Clinic); PubMed 31589614 (cited by Athena Diagnostics); PubMed 20301711 (cited by GeneReviews).